The following is an entry in ClinVar:

ClinVar aggregate classification (germline): Uncertain significance (1 of 4 stars; one submission).

Conditions:
Congenital portosystemic shunt. Identifiers: Orphanet 480531, MedGen C1290495, MONDO:0018811.

gnomAD v4.1: 19 of 1,551,538 alleles (0.0012%); highest among the groups gnomAD compares: East Asian, 0.044%; no homozygotes.

Submission:

Department of Pediatrics, Graduate School of Medical Sciences, Kyushu University
Classification: Uncertain significance for Congenital portosystemic shunt. Last evaluated: 2026-02-27. Review status: criteria provided, single submitter. Criteria: ACMG Guidelines, 2015. Collection method: research. Allele origin: germline. Affected: yes.
Comment: These variants are rare or absent in population databases such as gnomAD, and in silico prediction tools including CADD suggest potential deleterious effects. However, the relationship between this gene and CPSS has not been established. Therefore, the clinical significance of this variant is currently classified as a variant of uncertain significance (VUS).

NM_014159.7(SETD2):c.1208G>A (p.Ser403Asn)

Gene: SETD2 (SET domain containing 2, histone lysine methyltransferase; minus strand). Cytogenetic location: 3p21.31.
Variant type: single nucleotide variant.
Coding change: c.1208G>A on transcript NM_014159.7 (MANE Select); coding-DNA position 1208, G replaced by A.
Protein change: p.Ser403Asn; replaces serine 403 with asparagine.
Molecular consequence: missense variant. On other transcripts: non-coding transcript variant (1).
Genome position (GRCh38, 1-based): chr3:47,123,428, C>T on the plus strand (G>A on the coding strand, the complement: SETD2 is on the minus strand). VCF-style: chr3-47123428-C-T. GRCh37 (hg19) VCF-style: chr3-47164918-C-T.
Other names: c.1076G>A, p.Ser359Asn (NM_001349370.3); short protein forms S359N, S403N.
Identifiers: ClinVar variation 4813095 (VCV004813095.1).